The following is an entry in ClinVar:

ClinVar aggregate classification (germline): Likely benign. Review status: criteria provided, multiple submitters, no conflicts (2 of 4 stars). 2 submissions from 2 submitters: Likely benign (2). Last evaluated 2022-08-15.

Allele frequency attached by ClinVar (database versions not stated): ExAC 0.00006; gnomAD exomes 0.00002 and 0.00007; gnomAD 0.00001 and 0.00002; TOPMed 0.00002.
gnomAD v4.1: 28 of 1,613,584 alleles (0.0017%); highest among the groups gnomAD compares: Admixed American, 0.027%; 1 homozygote.

Submissions (2):

Labcorp Genetics (formerly Invitae), Labcorp
Classification: Likely benign. Last evaluated: 2022-08-15. Review status: criteria provided, single submitter. Criteria: Invitae Variant Classification Sherloc (09022015). Collection method: clinical testing. Allele origin: germline.

Laboratory for Molecular Medicine, Mass General Brigham Personalized Medicine
Classification: Likely benign. Last evaluated: 2015-05-21. Review status: criteria provided, single submitter. Criteria: LMM Criteria. Collection method: clinical testing. Allele origin: germline. Observed: 1 variant allele.
Comment: p.Thr516Thr in exon 13 of RDX: This variant is not expected to have clinical sig nificance because it does not alter an amino acid residue and is not located wit hin the splice consensus sequence. It has been identified in 4/11576 of Latino c hromosomes by the Exome Aggregation Consortium (ExAC .org).

NM_002906.4(RDX):c.1548C>T (p.Thr516=)

Gene: RDX (radixin; minus strand). Cytogenetic location: 11q22.3.
Variant type: single nucleotide variant.
Coding change: c.1548C>T on transcript NM_002906.4 (MANE Select); coding-DNA position 1548, C replaced by T.
Protein change: p.Thr516=; no amino-acid change (threonine 516 retained).
Molecular consequence: synonymous variant. On other transcripts: intron variant (1).
Genome position (GRCh38, 1-based): chr11:110,233,276, G>A on the plus strand (C>T on the coding strand, the complement: RDX is on the minus strand). VCF-style: chr11-110233276-G-A. GRCh37 (hg19) VCF-style: chr11-110104001-G-A.
Other names: c.1548C>T, p.Thr516= (NM_001260492.2, NM_001260493.2); c.1140C>T, p.Thr380= (NM_001260494.2); c.507C>T, p.Thr169= (NM_001260495.2); c.405-1272C>T (NM_001260496.2).
Identifiers: ClinVar variation 227899 (VCV000227899.9), dbSNP rs764664139, ClinGen allele CA6269953.